The following is an entry in ClinVar:

NM_005502.4(ABCA1):c.3554A>G (p.Asn1185Ser)

Gene: ABCA1 (ATP binding cassette subfamily A member 1; minus strand). Cytogenetic location: 9q31.1.
Variant type: single nucleotide variant.
Coding change: c.3554A>G on transcript NM_005502.4 (MANE Select); coding-DNA position 3554, A replaced by G.
Protein change: p.Asn1185Ser; replaces asparagine 1185 with serine.
Molecular consequence: missense variant.
Genome position (GRCh38, 1-based): chr9:104,816,327, T>C on the plus strand (A>G on the coding strand, the complement: ABCA1 is on the minus strand). VCF-style: chr9-104816327-T-C. GRCh37 (hg19) VCF-style: chr9-107578608-T-C.
Other names: short protein forms N1185S.
Identifiers: ClinVar variation 912891 (VCV000912891.14), dbSNP rs148328750, ClinGen allele CA5168394.
Genomic context (GRCh38, chr9:104,816,327, plus strand): 5'-GTCAGCTCATGCCCTATGTCTTCCACCAGCCGGGCTTCAGACACATGCTTCCTGATGAGG[T>C]TGGAGATAGCAGAGACATCTGCAGGGACCAGAATGCAAAGATGGCTCAATCAACTCAGAG-3'
Protein context (NP_005493.2, residues 1175-1195): TLTIDVSAIS[Asn1185Ser]LIRKHVSEAR

ClinVar aggregate classification (germline): Conflicting classifications of pathogenicity. Review status: criteria provided, conflicting classifications (1 of 4 stars). 4 submissions from 3 submitters: Uncertain significance (3); Likely benign (1). Last evaluated 2025-12-19.

Conditions:
Tangier disease (TGD). Also called: HIGH DENSITY LIPOPROTEIN DEFICIENCY, TANGIER TYPE; HIGH DENSITY LIPOPROTEIN DEFICIENCY, TYPE 1; Cholesterol thesaurismosis. Identifiers: Orphanet 31150, MedGen C0039292, MONDO:0008783, OMIM 205400.
Hypoalphalipoproteinemia, primary, 1. Identifiers: Orphanet 425, MedGen C5231558, MONDO:0011393, OMIM 604091.

Allele frequency attached by ClinVar (database versions not stated): TOPMed 0.00014; ESP Exome Variant Server 0.00038.

Submissions (4):

Labcorp Genetics (formerly Invitae), Labcorp
Classification: Likely benign. Last evaluated: 2025-12-19. Review status: criteria provided, single submitter. Criteria: Invitae Variant Classification Sherloc (09022015). Collection method: clinical testing. Allele origin: germline.

GeneDx
Classification: Uncertain significance. Last evaluated: 2020-06-23. Review status: criteria provided, single submitter. Criteria: GeneDx Variant Classification Process June 2021. Collection method: clinical testing. Allele origin: germline. Affected: yes.
Comment: Has not been previously published in association with Tangier disease or familial hypoalphalipoproteinemia to our knowledge; In silico analysis supports that this missense variant does not alter protein structure/function; This variant is associated with the following publications: (PMID: 24497850)

Illumina Laboratory Services, Illumina
Classification: Uncertain significance for Tangier disease. Last evaluated: 2017-04-28. Review status: criteria provided, single submitter. Criteria: ICSL Variant Classification Criteria 13 December 2019. Collection method: clinical testing. Allele origin: germline.

Illumina Laboratory Services, Illumina
Classification: Uncertain significance for Hypoalphalipoproteinemia, primary, 1. Last evaluated: 2017-04-28. Review status: criteria provided, single submitter. Criteria: ICSL Variant Classification Criteria 13 December 2019. Collection method: clinical testing. Allele origin: germline.
Comment: This variant was observed as part of a predisposition screen in an ostensibly healthy population. A literature search was performed for the gene, cDNA change, and amino acid change (where applicable). Publications were found based on this search. However, the evidence from the literature, in combination with allele frequency data from public databases where available, was not sufficient to rule this variant in or out of causing disease. Therefore, this variant is classified as a variant of unknown significance.

Literature cited by the submitters: PubMed 24497850 (cited by Illumina Laboratory Services, Illumina); PubMed 25215231 (cited by Illumina Laboratory Services, Illumina).